The following is an entry in ClinVar:

NM_002834.5(PTPN11):c.289G>C (p.Glu97Gln)

Gene: PTPN11 (protein tyrosine phosphatase non-receptor type 11; plus strand). Cytogenetic location: 12q24.13.
Variant type: single nucleotide variant.
Coding change: c.289G>C on transcript NM_002834.5 (MANE Select); coding-DNA position 289, G replaced by C.
Protein change: p.Glu97Gln; replaces glutamic acid 97 with glutamine.
Molecular consequence: missense variant.
Genome position (GRCh38, 1-based): chr12:112,450,469, G>C. VCF-style: chr12-112450469-G-C. GRCh37 (hg19) VCF-style: chr12-112888273-G-C.
Other names: p.E97Q:GAG>CAG; c.289G>C, p.Glu97Gln (NM_001330437.2, NM_080601.3); c.286G>C, p.Glu96Gln (NM_001374625.1); short protein forms E97Q, E96Q.
Identifiers: ClinVar variation 40505 (VCV000040505.7), dbSNP rs397507516, ClinGen allele CA282082.

ClinVar aggregate classification (germline): Uncertain significance. Review status: criteria provided, multiple submitters, no conflicts (2 of 4 stars). 3 submissions from 3 submitters: Uncertain significance (3). Last evaluated 2025-07-14.

Conditions:
Juvenile myelomonocytic leukemia (JMML). Also called: LEUKEMIA, JUVENILE MYELOMONOCYTIC, SOMATIC. Identifiers: Orphanet 86834, MedGen C0349639, MONDO:0011908, OMIM 607785, HP:0012209.
Metachondromatosis (METCDS). Identifiers: Orphanet 2499, MedGen C0410530, MONDO:0007979, OMIM 156250.
Noonan syndrome 1 (NS1). Also called: FEMALE PSEUDO-TURNER SYNDROME; PTPN11-Related Noonan Syndrome; TURNER PHENOTYPE WITH NORMAL KARYOTYPE. Identifiers: Orphanet 648, MedGen C4551602, MONDO:0008104, OMIM 163950. Disease mechanism: gain of function.
LEOPARD syndrome 1 (LPRD1). Also called: PTPN11-Related LEOPARD Syndrome; LENTIGINOSIS, CARDIOMYOPATHIC; MULTIPLE LENTIGINES SYNDROME. Identifiers: Orphanet 500, MedGen C4551484, MONDO:0100082, OMIM 151100.
RASopathy. Also called: Noonan spectrum disorder; rasopathies. Identifiers: Orphanet 536391, MedGen C5555857, MONDO:0021060.

Allele frequency attached by ClinVar (database versions not stated): ExAC 0.00001; gnomAD exomes 0.00001.
gnomAD v4.1: 40 of 1,614,052 alleles (0.0025%); highest among the groups gnomAD compares: Non-Finnish European, 0.0034%; no homozygotes.

Submissions (3):

Labcorp Genetics (formerly Invitae), Labcorp
Classification: Uncertain significance for RASopathy. Last evaluated: 2025-07-14. Review status: criteria provided, single submitter. Criteria: Invitae Variant Classification Sherloc (09022015). Collection method: clinical testing. Allele origin: germline.
Comment: This sequence change replaces glutamic acid, which is acidic and polar, with glutamine, which is neutral and polar, at codon 97 of the PTPN11 protein (p.Glu97Gln). This variant is present in population databases (rs397507516, gnomAD 0.002%). This missense change has been observed in individual(s) with clinical features of PTPN11-related conditions (PMID: 27876779). ClinVar contains an entry for this variant (Variation ID: 40505). Invitae Evidence Modeling of protein sequence and biophysical properties (such as structural, functional, and spatial information, amino acid conservation, physicochemical variation, residue mobility, and thermodynamic stability) has been performed for this missense variant. However, the output from this modeling did not meet the statistical confidence thresholds required to predict the impact of this variant on PTPN11 protein function. In summary, the available evidence is currently insufficient to determine the role of this variant in disease. Therefore, it has been classified as a Variant of Uncertain Significance.

Fulgent Genetics
Classification: Uncertain significance for LEOPARD syndrome 1; Metachondromatosis; Noonan syndrome 1; Juvenile myelomonocytic leukemia. Last evaluated: 2022-02-02. Review status: criteria provided, single submitter. Criteria: ACMG Guidelines, 2015. Collection method: clinical testing. Allele origin: unknown.

GeneDx
Classification: Uncertain significance. Last evaluated: 2018-02-08. Review status: criteria provided, single submitter. Criteria: GeneDx Variant Classification (06012015). Collection method: clinical testing. Allele origin: germline. Affected: yes.
Comment: The E97Q missense change in the PTPN11 gene has not been reported as a disease-causing mutation or as a benign polymorphism to our knowledge. The E97Q amino acid substitution is non-conservative with a negatively charged residue (Glu) being replaced by a neutral residue (Gln) at a residue of the protein that is conserved. However, no other mutations have been reported in close proximity to this codon. The variant is found in NOONAN panel(s).

Literature cited by the submitters: PubMed 27876779 (cited by Labcorp Genetics (formerly Invitae), Labcorp).